The following is an entry in ClinVar:

ClinVar aggregate classification (germline): Likely benign. Review status: criteria provided, multiple submitters, no conflicts (2 of 4 stars). 2 submissions from 2 submitters: Likely benign (2). Last evaluated 2023-12-13.

Conditions:
Atrial septal defect 5 (ASD5). Identifiers: Orphanet 1478, MedGen C2748552, MONDO:0013011, OMIM 612794.
Dilated cardiomyopathy 1R (CMD1R). Identifiers: Orphanet 154, Orphanet 54260, MedGen C3150681, MONDO:0013261, OMIM 613424.
Hypertrophic cardiomyopathy 11. Also called: ACTC1-Related Familial Hypertrophic Cardiomyopathy. Identifiers: MedGen C2677506, MONDO:0012799, OMIM 612098.
Hypertrophic cardiomyopathy. Also called: HYPERTROPHIC MYOCARDIOPATHY. Identifiers: Orphanet 217569, MedGen C0007194, MeSH D002312, MONDO:0005045, HP:0001639.

gnomAD v4.1: 2 of 1,614,120 alleles (0.00012%); highest among the groups gnomAD compares: East Asian, 0.0022%; no homozygotes.

Submissions (2):

All of Us Research Program, National Institutes of Health
Classification: Likely benign for Hypertrophic cardiomyopathy. Last evaluated: 2023-12-13. Review status: criteria provided, single submitter. Criteria: ACMG Guidelines, 2015. Collection method: clinical testing. Allele origin: germline. Inheritance: Autosomal dominant inheritance. Observed: 1 variant allele, 1 heterozygote.
Comment: This study involves interpretation of variants in research participants for the purpose of population health screening. Participant phenotype was not available at the time of variant classification. Additional details can be found in publication PMID: 35346344, PMCID: PMC8962531

Labcorp Genetics (formerly Invitae), Labcorp
Classification: Likely benign for Dilated cardiomyopathy 1R; Hypertrophic cardiomyopathy 11; Atrial septal defect 5. Last evaluated: 2022-03-08. Review status: criteria provided, single submitter. Criteria: Invitae Variant Classification Sherloc (09022015). Collection method: clinical testing. Allele origin: germline.

NM_005159.5(ACTC1):c.1107A>G (p.Pro369=)

Genes: ACTC1 (actin alpha cardiac muscle 1; minus strand), GJD2-DT (GJD2 divergent transcript; plus strand). Cytogenetic location: 15q14.
Variant type: single nucleotide variant.
Coding change: c.1107A>G on transcript NM_005159.5 (MANE Select); coding-DNA position 1107, A replaced by G.
Protein change: p.Pro369=; no amino-acid change (proline 369 retained).
Molecular consequence: synonymous variant.
Genome position (GRCh38, 1-based): chr15:34,790,439, T>C on the plus strand (A>G on the coding strand, the complement: ACTC1 is on the minus strand). VCF-style: chr15-34790439-T-C. GRCh37 (hg19) VCF-style: chr15-35082640-T-C.
Other names: c.1107A>G, p.Pro369= (NM_001406483.1, NM_001406482.1); c.972A>G, p.Pro324= (NM_001406484.1); c.666A>G, p.Pro222= (NM_001406485.1).
Identifiers: ClinVar variation 2064160 (VCV002064160.5), dbSNP rs1461752524, ClinGen allele CA489417638.